The following is an entry in ClinVar:

ClinVar aggregate classification (germline): Benign/Likely benign. Review status: criteria provided, multiple submitters, no conflicts (2 of 4 stars). 4 submissions from 4 submitters: Benign (1); Likely benign (2). 1 of the submissions does not count toward it. Last evaluated 2026-09-01.

Conditions:
Retinal dystrophy. Also called: Inherited retinal dystrophy. Identifiers: Orphanet 71862, MedGen C0854723, MeSH D058499, MONDO:0019118, HP:0000556.
Inborn genetic diseases. Identifiers: MedGen C0950123, MeSH D030342.

Allele frequency attached by ClinVar (database versions not stated): 1000 Genomes Project 0.00060; 1000 Genomes Project 30x 0.00156; TOPMed 0.00255; gnomAD 0.00453.
gnomAD v4.1: 4,594 of 1,200,806 alleles (0.38%); highest among the groups gnomAD compares: Non-Finnish European, 0.36%; 18 homozygotes.

Submissions (4):

CeGaT Center for Human Genetics Tuebingen
Classification: Likely benign. Last evaluated: 2026-09-01. Review status: criteria provided, single submitter. Criteria: CeGaT Center For Human Genetics Tuebingen Variant Classification Criteria Version 2. Collection method: clinical testing. Allele origin: germline. Affected: yes. Observed: 5 variant alleles.
Comment: SEMA6B: BS2

Blueprint Genetics
Classification: Likely benign. Last evaluated: 2024-11-27. Review status: criteria provided, single submitter. Criteria: ACMG Guidelines, 2015. Collection method: clinical testing. Allele origin: germline.

Ambry Genetics
Classification: Benign for Inborn genetic diseases. Last evaluated: 2021-10-16. Review status: criteria provided, single submitter. Criteria: Ambry Variant Classification Scheme 2023. Collection method: clinical testing. Allele origin: germline.

Institute of Human Genetics, Univ. Regensburg, Univ. Regensburg
Classification: Uncertain significance for Retinal dystrophy. Last evaluated: 2023-01-01. Review status: no assertion criteria provided. Criteria: ACMG Guidelines, 2015. Collection method: clinical testing. Allele origin: germline. Affected: yes. Not counted in ClinVar's aggregate classification.

NM_032108.4(SEMA6B):c.2342G>T (p.Arg781Leu)

Gene: SEMA6B (semaphorin 6B; minus strand). Cytogenetic location: 19p13.3.
Variant type: single nucleotide variant.
Coding change: c.2342G>T on transcript NM_032108.4 (MANE Select); coding-DNA position 2342, G replaced by T.
Protein change: p.Arg781Leu; replaces arginine 781 with leucine.
Molecular consequence: missense variant.
Genome position (GRCh38, 1-based): chr19:4,543,926, C>A on the plus strand (G>T on the coding strand, the complement: SEMA6B is on the minus strand). VCF-style: chr19-4543926-C-A. GRCh37 (hg19) VCF-style: chr19-4543938-C-A.
Other names: short protein forms R781L.
Identifiers: ClinVar variation 2212749 (VCV002212749.27), dbSNP rs189240925, ClinGen allele CA9102250.